The following is an entry in ClinVar:

ClinVar aggregate classification (germline): Benign (1 of 4 stars; one submission).

Conditions:
Tuberous sclerosis 2 (TSC2). Identifiers: Orphanet 805, MedGen C1860707, MONDO:0013199, OMIM 613254.

gnomAD v4.1: 1 of 1,606,034 alleles (0.000062%); highest among the groups gnomAD compares: East Asian, 0.0022%; no homozygotes.

Submission:

Myriad Genetics, Inc.
Classification: Benign for Tuberous sclerosis 2. Last evaluated: 2025-06-02. Review status: criteria provided, single submitter. Criteria: Myriad Autosomal Dominant, Autosomal Recessive and X-Linked Classification Criteria (2023). Collection method: clinical testing. Allele origin: unknown.
Comment: This variant is considered benign. This variant is a silent/synonymous amino acid change and it is not expected to impact splicing.

NM_000548.5(TSC2):c.3930G>A (p.Val1310=)

Gene: TSC2 (TSC complex subunit 2; plus strand). Cytogenetic location: 16p13.3.
Variant type: single nucleotide variant.
Coding change: c.3930G>A on transcript NM_000548.5 (MANE Select); coding-DNA position 3930, G replaced by A.
Protein change: p.Val1310=; no amino-acid change (valine 1310 retained).
Molecular consequence: synonymous variant. On other transcripts: non-coding transcript variant (5).
Genome position (GRCh38, 1-based): chr16:2,083,741, G>A. VCF-style: chr16-2083741-G-A. GRCh37 (hg19) VCF-style: chr16-2133742-G-A.
Other names: c.3729G>A, p.Val1243= (NM_001077183.3); c.3861G>A, p.Val1287= (NM_001114382.3); c.3621G>A, p.Val1207= (NM_001318827.2); c.3585G>A, p.Val1195= (NM_001318829.2); c.3198G>A, p.Val1066= (NM_001318831.2); c.3762G>A, p.Val1254= (NM_001318832.2); c.3732G>A, p.Val1244= (NM_001363528.2); c.3798G>A, p.Val1266= (NM_001370404.1); and 26 more.
Identifiers: ClinVar variation 4071038 (VCV004071038.1).